The following is an entry in ClinVar:

ClinVar aggregate classification (germline): Uncertain significance (1 of 4 stars; one submission).

Conditions:
Autosomal recessive polycystic kidney disease (ARPKD). Also called: AR polycystic kidney disease. Identifiers: Orphanet 731, Orphanet 8378, MedGen C0085548, MeSH D017044, MONDO:0009889.

Submission:

Labcorp Genetics (formerly Invitae), Labcorp
Classification: Uncertain significance for Autosomal recessive polycystic kidney disease. Last evaluated: 2021-11-05. Review status: criteria provided, single submitter. Criteria: Invitae Variant Classification Sherloc (09022015). Collection method: clinical testing. Allele origin: germline.
Comment: This variant is not present in population databases (gnomAD no frequency). In summary, the available evidence is currently insufficient to determine the role of this variant in disease. Therefore, it has been classified as a Variant of Uncertain Significance. Advanced modeling of protein sequence and biophysical properties (such as structural, functional, and spatial information, amino acid conservation, physicochemical variation, residue mobility, and thermodynamic stability) performed at Invitae indicates that this missense variant is not expected to disrupt PKHD1 protein function. This variant has not been reported in the literature in individuals affected with PKHD1-related conditions. This sequence change replaces proline, which is neutral and non-polar, with arginine, which is basic and polar, at codon 3943 of the PKHD1 protein (p.Pro3943Arg).

NM_138694.4(PKHD1):c.11828C>G (p.Pro3943Arg)

Gene: PKHD1 (PKHD1 ciliary IPT domain containing fibrocystin/polyductin; minus strand). Cytogenetic location: 6p12.3.
Variant type: single nucleotide variant.
Coding change: c.11828C>G on transcript NM_138694.4 (MANE Select); coding-DNA position 11828, C replaced by G.
Protein change: p.Pro3943Arg; replaces proline 3943 with arginine.
Molecular consequence: missense variant.
Genome position (GRCh38, 1-based): chr6:51,619,478, G>C on the plus strand (C>G on the coding strand, the complement: PKHD1 is on the minus strand). VCF-style: chr6-51619478-G-C. GRCh37 (hg19) VCF-style: chr6-51484276-G-C.
Other names: short protein forms P3943R.
Identifiers: ClinVar variation 1391150 (VCV001391150.6), dbSNP rs2150241950, ClinGen allele CA364417450.